The following is an entry in ClinVar:

ClinVar aggregate classification (germline): Uncertain significance. Review status: criteria provided, multiple submitters, no conflicts (2 of 4 stars). 3 submissions from 3 submitters: Uncertain significance (3). Last evaluated 2025-07-22.

Conditions:
Medulloblastoma (MDB). Also called: Medulloblastoma, somatic; MEDULLOBLASTOMA PREDISPOSITION SYNDROME. Identifiers: Orphanet 616, MedGen C0025149, MeSH D008527, MONDO:0007959, OMIM 155255, HP:0002885.

Allele frequency attached by ClinVar (database versions not stated): gnomAD exomes below 0.00001; gnomAD 0.00001.
gnomAD v4.1: 7 of 1,610,600 alleles (0.00043%); highest among the groups gnomAD compares: Non-Finnish European, 0.00059%; no homozygotes.

Submissions (3):

GeneDx
Classification: Uncertain significance. Last evaluated: 2025-07-22. Review status: criteria provided, single submitter. Criteria: GeneDx Variant Classification Process June 2021. Collection method: clinical testing. Allele origin: germline. Affected: yes.
Comment: Not observed at significant frequency in large population cohorts (gnomAD); In silico analysis suggests that this missense variant does not alter protein structure/function; Has not been previously published as pathogenic or benign to our knowledge

Mayo Clinic Laboratories, Mayo Clinic
Classification: Uncertain significance. Last evaluated: 2024-05-02. Review status: criteria provided, single submitter. Criteria: ACMG Guidelines, 2015. Collection method: clinical testing. Allele origin: germline. Observed: 1 variant allele.
Comment: PM2

St. Jude Molecular Pathology, St. Jude Children's Research Hospital
Classification: Uncertain significance for Medulloblastoma. Last evaluated: 2022-09-22. Review status: criteria provided, single submitter. Criteria: St. Jude Assertion Criteria 2020. Collection method: clinical testing. Allele origin: germline.
Comment: The ELP1 c.1456T>C (p.Tyr486His) missense change has a maximum subpopulation frequency of 0.0015% in gnomAD v2.1.1. The in silico tool REVEL predicts a benign effect on protein function, but to our knowledge this prediction has not been confirmed by functional studies. To our knowledge, this variant has not been reported in individuals with a personal or family history of medulloblastoma. In summary, the evidence currently available is insufficient to determine the clinical significance of this variant. It has therefore been classified as of uncertain significance.

NM_003640.5(ELP1):c.1456T>C (p.Tyr486His)

Gene: ELP1 (elongator acetyltransferase complex subunit 1; minus strand). Cytogenetic location: 9q31.3.
Variant type: single nucleotide variant.
Coding change: c.1456T>C on transcript NM_003640.5 (MANE Select); coding-DNA position 1456, T replaced by C.
Protein change: p.Tyr486His; replaces tyrosine 486 with histidine.
Molecular consequence: missense variant.
Genome position (GRCh38, 1-based): chr9:108,908,309, A>G on the plus strand (T>C on the coding strand, the complement: ELP1 is on the minus strand). VCF-style: chr9-108908309-A-G. GRCh37 (hg19) VCF-style: chr9-111670589-A-G.
Other names: p.Tyr486His; c.1114T>C, p.Tyr372His (NM_001318360.2); c.409T>C, p.Tyr137His (NM_001330749.2); short protein forms Y137H, Y372H, Y486H.
Identifiers: ClinVar variation 1710945 (VCV001710945.3), dbSNP rs1235143099, ClinGen allele CA374428224.